The following is an entry in ClinVar:

ClinVar aggregate classification (germline): Likely benign. Review status: criteria provided, multiple submitters, no conflicts (2 of 4 stars). 4 submissions from 4 submitters: Likely benign (3). 1 of the submissions does not count toward it. Last evaluated 2024-09-23.

Conditions:
DLAT-related disorder. Also called: DLAT-related condition.
Pyruvate dehydrogenase E2 deficiency (PDHDD). Also called: Dihydrolipoamide Acetyltransferase (E2) Deficiency; LACTIC ACIDEMIA DUE TO DEFECT OF E2 LIPOYL TRANSACETYLASE OF THE PYRUVATE DEHYDROGENASE COMPLEX. Identifiers: Orphanet 765, Orphanet 79244, MedGen C1855565, MONDO:0009502, OMIM 245348.

Allele frequency attached by ClinVar (database versions not stated): gnomAD 0.00001; ExAC 0.00002; gnomAD exomes 0.00002 and 0.00004; TOPMed 0.00002.
gnomAD v4.1: 61 of 1,613,776 alleles (0.0038%); highest among the groups gnomAD compares: African/African-American, 0.0067%; no homozygotes.

Submissions (4):

Blueprint Genetics
Classification: Likely benign. Last evaluated: 2024-09-23. Review status: criteria provided, single submitter. Criteria: ACMG Guidelines, 2015. Collection method: clinical testing. Allele origin: germline.

Labcorp Genetics (formerly Invitae), Labcorp
Classification: Likely benign for Pyruvate dehydrogenase E2 deficiency. Last evaluated: 2022-08-31. Review status: criteria provided, single submitter. Criteria: Invitae Variant Classification Sherloc (09022015). Collection method: clinical testing. Allele origin: germline.

GeneDx
Classification: Likely benign. Last evaluated: 2019-11-01. Review status: criteria provided, single submitter. Criteria: GeneDx Variant Classification Process June 2021. Collection method: clinical testing. Allele origin: germline. Affected: yes.

PreventionGenetics, part of Exact Sciences
Classification: Likely benign for DLAT-related condition. Last evaluated: 2019-10-28. Review status: no assertion criteria provided. Collection method: clinical testing. Allele origin: germline. Not counted in ClinVar's aggregate classification.
Comment: This variant is classified as likely benign based on ACMG/AMP sequence variant interpretation guidelines (Richards et al. 2015 PMID: 25741868, with internal and published modifications).

NM_001931.5(DLAT):c.981C>T (p.Ala327=)

Gene: DLAT (dihydrolipoamide S-acetyltransferase; plus strand). Cytogenetic location: 11q23.1.
Variant type: single nucleotide variant.
Coding change: c.981C>T on transcript NM_001931.5 (MANE Select); coding-DNA position 981, C replaced by T.
Protein change: p.Ala327=; no amino-acid change (alanine 327 retained).
Molecular consequence: synonymous variant. On other transcripts: non-coding transcript variant (1).
Genome position (GRCh38, 1-based): chr11:112,039,249, C>T. VCF-style: chr11-112039249-C-T. GRCh37 (hg19) VCF-style: chr11-111909973-C-T.
Other names: c.981C>T, p.Ala327= (NM_001372031.1, NM_001372032.1, NM_001372033.1 and 1 more transcripts); c.948C>T, p.Ala316= (NM_001372034.1); c.855C>T, p.Ala285= (NM_001372036.1); c.813C>T, p.Ala271= (NM_001372037.1); c.702C>T, p.Ala234= (NM_001372038.1); c.666C>T, p.Ala222= (NM_001372039.1, NM_001372041.1); c.600C>T, p.Ala200= (NM_001372040.1); c.519C>T, p.Ala173= (NM_001372042.1).
Identifiers: ClinVar variation 513730 (VCV000513730.15), dbSNP rs782157762, ClinGen allele CA6276799.